The following is an entry in ClinVar:

NM_022168.4(IFIH1):c.384G>C (p.Lys128Asn)

Gene: IFIH1 (interferon induced with helicase C domain 1; minus strand). Cytogenetic location: 2q24.2.
Variant type: single nucleotide variant.
Coding change: c.384G>C on transcript NM_022168.4 (MANE Select); coding-DNA position 384, G replaced by C.
Protein change: p.Lys128Asn; replaces lysine 128 with asparagine.
Molecular consequence: missense variant.
Genome position (GRCh38, 1-based): chr2:162,317,924, C>G on the plus strand (G>C on the coding strand, the complement: IFIH1 is on the minus strand). VCF-style: chr2-162317924-C-G. GRCh37 (hg19) VCF-style: chr2-163174434-C-G.
Other names: short protein forms K128N.
Identifiers: ClinVar variation 2934754 (VCV002934754.4), dbSNP rs138344310, ClinGen allele CA1934840.

ClinVar aggregate classification (germline): Uncertain significance. Review status: criteria provided, multiple submitters, no conflicts (2 of 4 stars). 2 submissions from 2 submitters: Uncertain significance (2). Last evaluated 2025-11-19.

Conditions:
Aicardi-Goutieres syndrome 7 (AGS7). Identifiers: Orphanet 51, MedGen C3888244, MONDO:0014367, OMIM 615846.
Singleton-Merten syndrome 1 (SGMRT1). Also called: Widened medullary cavities of bone, aortic calcification, abnormal dentition, and muscular weakness; Syndrome of widened medullary cavities of the metacarpals and phalanges, aortic calcification and abnormal dentition. Identifiers: Orphanet 85191, MedGen C4225427, MONDO:0024535, OMIM 182250.

Allele frequency attached by ClinVar (database versions not stated): gnomAD 0.00003; TOPMed 0.00002; ESP Exome Variant Server 0.00015.
gnomAD v4.1: 8 of 1,613,684 alleles (0.0005%); highest among the groups gnomAD compares: African/African-American, 0.0093%; no homozygotes.

Submissions (2):

Labcorp Genetics (formerly Invitae), Labcorp
Classification: Uncertain significance for Aicardi-Goutieres syndrome 7; Singleton-Merten syndrome 1. Last evaluated: 2025-11-19. Review status: criteria provided, single submitter. Criteria: Invitae Variant Classification Sherloc (09022015). Collection method: clinical testing. Allele origin: germline.
Comment: This sequence change replaces lysine, which is basic and polar, with asparagine, which is neutral and polar, at codon 128 of the IFIH1 protein (p.Lys128Asn). This variant is present in population databases (rs138344310, gnomAD 0.02%). This variant has not been reported in the literature in individuals affected with IFIH1-related conditions. ClinVar contains an entry for this variant (Variation ID: 2934754). An algorithm developed to predict the effect of missense changes on protein structure and function outputs the following: PolyPhen-2: "Benign". The asparagine amino acid residue is found in multiple mammalian species, which suggests that this missense change does not adversely affect protein function. In summary, the available evidence is currently insufficient to determine the role of this variant in disease. Therefore, it has been classified as a Variant of Uncertain Significance.

Women's Health and Genetics/Laboratory Corporation of America, LabCorp
Classification: Uncertain significance. Last evaluated: 2025-10-28. Review status: criteria provided, single submitter. Criteria: LabCorp Variant Classification Summary - May 2015. Collection method: clinical testing. Allele origin: germline.
Comment: Variant summary: IFIH1 c.384G>C (p.Lys128Asn) results in a non-conservative amino acid change in the encoded protein sequence. Algorithms developed to predict the effect of missense changes on protein structure and function are either unavailable or do not agree on the potential impact of this missense change. The variant allele was found at a frequency of 1.6e-05 in 251062 control chromosomes. The available data on variant occurrences in the general population are insufficient to allow any conclusion about variant significance. To our knowledge, no occurrence of c.384G>C in individuals affected with IFIH1-related conditions and no experimental evidence demonstrating its impact on protein function have been reported. ClinVar contains an entry for this variant (Variation ID: 2934754). Based on the evidence outlined above, the variant was classified as uncertain significance.